The following is an entry in ClinVar:

ClinVar aggregate classification (germline): Likely benign (1 of 4 stars; one submission).

Conditions:
Hypertrophic cardiomyopathy. Also called: HYPERTROPHIC MYOCARDIOPATHY. Identifiers: Orphanet 217569, MedGen C0007194, MeSH D002312, MONDO:0005045, HP:0001639.

Allele frequency attached by ClinVar (database versions not stated): gnomAD exomes below 0.00001.

Submission:

All of Us Research Program, National Institutes of Health
Classification: Likely benign for Hypertrophic cardiomyopathy. Last evaluated: 2023-06-26. Review status: criteria provided, single submitter. Criteria: ACMG Guidelines, 2015. Collection method: clinical testing. Allele origin: germline. Inheritance: Autosomal dominant inheritance. Observed: 1 variant allele, 1 heterozygote.
Comment: This study involves interpretation of variants in research participants for the purpose of population health screening. Participant phenotype was not available at the time of variant classification. Additional details can be found in publication PMID: 35346344, PMCID: PMC8962531

NM_000256.3(MYBPC3):c.3330+3G>A

Gene: MYBPC3 (myosin binding protein C3; minus strand). Cytogenetic location: 11p11.2.
Variant type: single nucleotide variant.
Coding change: c.3330+3G>A on transcript NM_000256.3 (MANE Select); 3 bases into the intron after coding-DNA position 3330, G replaced by A.
Molecular consequence: intron variant.
Genome position (GRCh38, 1-based): chr11:47,333,191, C>T on the plus strand (G>A on the coding strand, the complement: MYBPC3 is on the minus strand). VCF-style: chr11-47333191-C-T. GRCh37 (hg19) VCF-style: chr11-47354742-C-T.
Identifiers: ClinVar variation 3072243 (VCV003072243.1), dbSNP rs2095878915, ClinGen allele CA2613393159.
Genomic context (GRCh38, chr11:47,333,191, plus strand): 5'-CTGCGGCCTGGGTCTGCCGGGCCTAGGCAGGGTGCACGTGGGGACCCCAGACCCTGGGCT[C>T]ACCATGGTCTTCTTGTCGGCTTTCTGCACTGTGTACCCCCAGAGCTCCGTGTTGCCGACA-3'